The following is an entry in ClinVar:

NM_003718.5(CDK13):c.760A>G (p.Ser254Gly)

Gene: CDK13 (cyclin dependent kinase 13; plus strand). Cytogenetic location: 7p14.1.
Variant type: single nucleotide variant.
Coding change: c.760A>G on transcript NM_003718.5 (MANE Select); coding-DNA position 760, A replaced by G.
Protein change: p.Ser254Gly; replaces serine 254 with glycine.
Molecular consequence: missense variant.
Genome position (GRCh38, 1-based): chr7:39,951,401, A>G. VCF-style: chr7-39951401-A-G. GRCh37 (hg19) VCF-style: chr7-39991000-A-G.
Other names: c.760A>G, p.Ser254Gly (NM_031267.4); short protein forms S254G.
Identifiers: ClinVar variation 1976119 (VCV001976119.5), dbSNP rs1286744546, ClinGen allele CA367310428.
Genomic context (GRCh38, chr7:39,951,401, plus strand): 5'-CGCCACAGCCACAGCGGCGAGGAACGGGCCGAGGTCGCCAAGAGCGGCAGCAGCAGCAGC[A>G]GCGGCGGCCGCCGGAAAAGCGCTTCGGCCACATCCAGCAGCAGTAGCAGCCGCAAGGACC-3'
Protein context (NP_003709.3, residues 244-264): EVAKSGSSSS[Ser254Gly]GGRRKSASAT

ClinVar aggregate classification (germline): Uncertain significance (1 of 4 stars; one submission).

Allele frequency attached by ClinVar (database versions not stated): gnomAD 0.00001; TOPMed 0.00001.
gnomAD v4.1: 30 of 1,519,090 alleles (0.002%); highest among the groups gnomAD compares: South Asian, 0.0037%; no homozygotes.

Submission:

Labcorp Genetics (formerly Invitae), Labcorp
Classification: Uncertain significance. Last evaluated: 2023-08-17. Review status: criteria provided, single submitter. Criteria: Invitae Variant Classification Sherloc (09022015). Collection method: clinical testing. Allele origin: germline.
Comment: In summary, the available evidence is currently insufficient to determine the role of this variant in disease. Therefore, it has been classified as a Variant of Uncertain Significance. Advanced modeling of protein sequence and biophysical properties (such as structural, functional, and spatial information, amino acid conservation, physicochemical variation, residue mobility, and thermodynamic stability) performed at Invitae indicates that this missense variant is not expected to disrupt CDK13 protein function. ClinVar contains an entry for this variant (Variation ID: 1976119). This variant has not been reported in the literature in individuals affected with CDK13-related conditions. The frequency data for this variant in the population databases is considered unreliable, as metrics indicate poor data quality at this position in the gnomAD database. This sequence change replaces serine, which is neutral and polar, with glycine, which is neutral and non-polar, at codon 254 of the CDK13 protein (p.Ser254Gly).